The following is an entry in ClinVar:

ClinVar aggregate classification (germline): Conflicting classifications of pathogenicity. Review status: criteria provided, conflicting classifications (1 of 4 stars). 2 submissions from 2 submitters: Uncertain significance (1); Likely benign (1). Last evaluated 2024-12-08.

Allele frequency attached by ClinVar (database versions not stated): TOPMed 0.00002; ExAC 0.00003; gnomAD exomes 0.00003; gnomAD 0.00005 and 0.00006; ESP Exome Variant Server 0.00008; 1000 Genomes Project 30x 0.00016; 1000 Genomes Project 0.00020.
gnomAD v4.1: 40 of 1,612,770 alleles (0.0025%); highest among the groups gnomAD compares: South Asian, 0.0055%; no homozygotes.

Submissions (2):

Labcorp Genetics (formerly Invitae), Labcorp
Classification: Likely benign. Last evaluated: 2024-12-08. Review status: criteria provided, single submitter. Criteria: Invitae Variant Classification Sherloc (09022015). Collection method: clinical testing. Allele origin: germline.

GeneDx
Classification: Uncertain significance. Last evaluated: 2019-09-05. Review status: criteria provided, single submitter. Criteria: GeneDx Variant Classification Process June 2021. Collection method: clinical testing. Allele origin: germline. Affected: yes.
Comment: Has not been previously published as pathogenic or benign to our knowledge; In silico analysis, which includes splice predictors and evolutionary conservation, suggests this variant may impact gene splicing. In the absence of RNA/functional studies, the actual effect of this sequence change is unknown.

NM_003737.4(DCHS1):c.5853C>T (p.Arg1951=)

Gene: DCHS1 (dachsous cadherin-related 1; minus strand). Cytogenetic location: 11p15.4.
Variant type: single nucleotide variant.
Coding change: c.5853C>T on transcript NM_003737.4 (MANE Select); coding-DNA position 5853, C replaced by T.
Protein change: p.Arg1951=; no amino-acid change (arginine 1951 retained).
Molecular consequence: synonymous variant.
Genome position (GRCh38, 1-based): chr11:6,627,186, G>A on the plus strand (C>T on the coding strand, the complement: DCHS1 is on the minus strand). VCF-style: chr11-6627186-G-A. GRCh37 (hg19) VCF-style: chr11-6648417-G-A.
Identifiers: ClinVar variation 1309413 (VCV001309413.5), dbSNP rs370161556, ClinGen allele CA5860010.